The following is an entry in ClinVar:

ClinVar aggregate classification (germline): Conflicting classifications of pathogenicity. Review status: criteria provided, conflicting classifications (1 of 4 stars). 3 submissions from 3 submitters: Likely pathogenic (2); Uncertain significance (1). Last evaluated 2025-08-19.

Conditions:
Familial thoracic aortic aneurysm and aortic dissection (TAAD). Also called: Thoracic aortic aneurysms and dissections. Identifiers: Orphanet 91387, MedGen C4707243, MONDO:0019625.
Loeys-Dietz syndrome 2 (LDS2). Also called: Marfan syndrome, type 2 (formerly); AORTIC ANEURYSM, FAMILIAL THORACIC 3; MARFAN SYNDROME, TYPE II; TGFBR2-Related Loeys-Dietz Syndrome; Marfan Syndrome type 2; Marfan like connective tissue disorder. Identifiers: Orphanet 284973, Orphanet 558, MedGen C2674574, MONDO:0012427, OMIM 610168.

Submissions (3):

Victorian Clinical Genetics Services, Murdoch Childrens Research Institute
Classification: Likely pathogenic for Loeys-Dietz syndrome 2. Last evaluated: 2025-08-19. Review status: criteria provided, single submitter. Criteria: ACMG Guidelines, 2015. Collection method: clinical testing. Allele origin: germline. Affected: yes.
Comment: This variant is classified as Likely pathogenic. Evidence in support of pathogenic classification: Variant is absent from gnomAD (v2, v3 and v4); Additional information: Variant is predicted to result in a missense amino acid change from Asn to Lys; This variant is heterozygous; This gene is associated with autosomal dominant disease; Previous reports of pathogenicity for this variant are conflicting. This variant has been classified as likely pathogenic and as a VUS by clinical laboratories in ClinVar; No published evidence of segregation with disease has been identified for this variant; No published functional evidence has been identified for this variant; No comparable missense variants have previous evidence for pathogenicity; Variant is located in the annotated protein tyrosine and serine/threonine kinase domain (DECIPHER); Missense variant with inconclusive in silico prediction and/or uninformative conservation; Loss of function and gain of function are mechanisms of disease in this gene and are associated with Loeys-Dietz syndrome 2 (MIM#610168). Gain of function has been demonstrated as a potential disease mechanism in patients with Loeys-Dietz syndrome 2, while loss of function has also been suggested for particular missense variants (PMIDs: 20301312, 15731757, 32528524, 28679693).

Rady Children's Institute for Genomic Medicine, Rady Children's Hospital San Diego
Classification: Likely pathogenic for LOEYS-DIETZ SYNDROME 2. Last evaluated: 2023-10-12. Review status: criteria provided, single submitter. Criteria: ACMG Guidelines, 2015. Collection method: clinical testing. Allele origin: germline. Affected: yes.
Comment: This variant results in a c.1305T>A (p.Asn435Lys) change in an alternate transcript (NM_003242.5). The c.1380T>A (p.Asn460Lys) variant affects a highly conserved amino acid and is predicted by multiple in silico tools to have a deleterious effect on protein function. This variant has not been previously reported or functionally characterized in the literature to our knowledge. The c.1380T>A (p.Asn460Lys) variant is absent from the gnomAD population database and thus is presumed to be rare. Analysis of the parental samples was negative for the variant, indicating this variant likely occurred as a de novo event. Based on the available evidence, c.1380T>A (p.Asn460Lys) is classified as Likely Pathogenic.

Labcorp Genetics (formerly Invitae), Labcorp
Classification: Uncertain significance for Familial thoracic aortic aneurysm and aortic dissection. Last evaluated: 2022-06-13. Review status: criteria provided, single submitter. Criteria: Invitae Variant Classification Sherloc (09022015). Collection method: clinical testing. Allele origin: germline.
Comment: In summary, the available evidence is currently insufficient to determine the role of this variant in disease. Therefore, it has been classified as a Variant of Uncertain Significance. Advanced modeling of protein sequence and biophysical properties (such as structural, functional, and spatial information, amino acid conservation, physicochemical variation, residue mobility, and thermodynamic stability) performed at Invitae indicates that this missense variant is expected to disrupt TGFBR2 protein function. This variant has not been reported in the literature in individuals affected with TGFBR2-related conditions. This variant is not present in population databases (gnomAD no frequency). This sequence change replaces asparagine, which is neutral and polar, with lysine, which is basic and polar, at codon 435 of the TGFBR2 protein (p.Asn435Lys).

Literature cited by the submitters: PubMed 28679693 (cited by Victorian Clinical Genetics Services, Murdoch Childrens Research Institute); PubMed 15731757 (cited by Victorian Clinical Genetics Services, Murdoch Childrens Research Institute); PubMed 32528524 (cited by Victorian Clinical Genetics Services, Murdoch Childrens Research Institute); PubMed 20301312 (cited by Victorian Clinical Genetics Services, Murdoch Childrens Research Institute).

NM_003242.6(TGFBR2):c.1305T>A (p.Asn435Lys)

Gene: TGFBR2 (transforming growth factor beta receptor 2; plus strand). Cytogenetic location: 3p24.1.
Variant type: single nucleotide variant.
Coding change: c.1305T>A on transcript NM_003242.6 (MANE Select); coding-DNA position 1305, T replaced by A.
Protein change: p.Asn435Lys; replaces asparagine 435 with lysine.
Molecular consequence: missense variant.
Genome position (GRCh38, 1-based): chr3:30,674,155, T>A. VCF-style: chr3-30674155-T-A. GRCh37 (hg19) VCF-style: chr3-30715647-T-A.
Other names: c.1380T>A, p.Asn460Lys (NM_001024847.3); c.1488T>A, p.Asn496Lys (NM_001407126.1); c.1413T>A, p.Asn471Lys (NM_001407127.1); c.1332T>A, p.Asn444Lys (NM_001407128.1); c.1308T>A, p.Asn436Lys (NM_001407129.1); c.1305T>A, p.Asn435Lys (NM_001407130.1); c.1200T>A, p.Asn400Lys (NM_001407132.1, NM_001407133.1, NM_001407134.1 and 2 more transcripts); c.1020T>A, p.Asn340Lys (NM_001407137.1); and 1 more; short protein forms N435K, N460K, N444K, N471K, N496K, N400K, N436K, N340K.
Identifiers: ClinVar variation 1437999 (VCV001437999.12), dbSNP rs2125438974, ClinGen allele CA351808973.